The following is an entry in ClinVar:

NM_001122752.2(SERPINI1):c.281C>T (p.Ser94Leu)

Gene: SERPINI1 (serpin family I member 1; plus strand). Cytogenetic location: 3q26.1.
Variant type: single nucleotide variant.
Coding change: c.281C>T on transcript NM_001122752.2 (MANE Select); coding-DNA position 281, C replaced by T.
Protein change: p.Ser94Leu; replaces serine 94 with leucine.
Molecular consequence: missense variant.
Genome position (GRCh38, 1-based): chr3:167,790,402, C>T. VCF-style: chr3-167790402-C-T. GRCh37 (hg19) VCF-style: chr3-167508190-C-T.
Other names: c.281C>T, p.Ser94Leu (NM_005025.5); short protein forms S94L.
Identifiers: ClinVar variation 344124 (VCV000344124.14), dbSNP rs781486255, ClinGen allele CA2694771.

ClinVar aggregate classification (germline): Conflicting classifications of pathogenicity. Review status: criteria provided, conflicting classifications (1 of 4 stars). 2 submissions from 2 submitters: Uncertain significance (1); Likely benign (1). Last evaluated 2025-08-09.

Conditions:
Familial encephalopathy with neuroserpin inclusion bodies. Also called: ENCEPHALOPATHY, FAMILIAL, WITH COLLINS BODIES. Identifiers: Orphanet 85110, MedGen C1858680, MONDO:0011412, OMIM 604218.

Allele frequency attached by ClinVar (database versions not stated): TOPMed 0.00001; ExAC 0.00002; gnomAD exomes 0.00002.
gnomAD v4.1: 72 of 1,613,712 alleles (0.0045%); highest among the groups gnomAD compares: Non-Finnish European, 0.0061%; no homozygotes.

Submissions (2):

Labcorp Genetics (formerly Invitae), Labcorp
Classification: Uncertain significance for Familial encephalopathy with neuroserpin inclusion bodies. Last evaluated: 2025-08-09. Review status: criteria provided, single submitter. Criteria: Invitae Variant Classification Sherloc (09022015). Collection method: clinical testing. Allele origin: germline.
Comment: This sequence change replaces serine, which is neutral and polar, with leucine, which is neutral and non-polar, at codon 94 of the SERPINI1 protein (p.Ser94Leu). This variant is present in population databases (rs781486255, gnomAD 0.003%). This variant has not been reported in the literature in individuals affected with SERPINI1-related conditions. ClinVar contains an entry for this variant (Variation ID: 344124). Invitae Evidence Modeling of protein sequence and biophysical properties (such as structural, functional, and spatial information, amino acid conservation, physicochemical variation, residue mobility, and thermodynamic stability) indicates that this missense variant is not expected to disrupt SERPINI1 protein function with a negative predictive value of 80%. In summary, the available evidence is currently insufficient to determine the role of this variant in disease. Therefore, it has been classified as a Variant of Uncertain Significance.

Illumina Laboratory Services, Illumina
Classification: Likely benign for Familial encephalopathy with neuroserpin inclusion bodies. Last evaluated: 2018-01-13. Review status: criteria provided, single submitter. Criteria: ICSL Variant Classification Criteria 13 December 2019. Collection method: clinical testing. Allele origin: germline.
Comment: This variant was observed in the ICSL laboratory as part of a predisposition screen in an ostensibly healthy population. It had not been previously curated by ICSL or reported in the Human Gene Mutation Database (HGMD: prior to June 1st, 2018), and was therefore a candidate for classification through an automated scoring system. Utilizing variant allele frequency, disease prevalence and penetrance estimates, and inheritance mode, an automated score was calculated to assess if this variant is too frequent to cause the disease. Based on the score and internal cut-off values, a variant classified as likely benign is not then subjected to further curation. The score for this variant resulted in a classification of likely benign for this disease.